The following is an entry in ClinVar:

NM_000181.4(GUSB):c.1693C>G (p.Leu565Val)

Gene: GUSB (glucuronidase beta; minus strand). Cytogenetic location: 7q11.21.
Variant type: single nucleotide variant.
Coding change: c.1693C>G on transcript NM_000181.4 (MANE Select); coding-DNA position 1693, C replaced by G.
Protein change: p.Leu565Val; replaces leucine 565 with valine.
Molecular consequence: missense variant. On other transcripts: non-coding transcript variant (1).
Genome position (GRCh38, 1-based): chr7:65,964,419, G>C on the plus strand (C>G on the coding strand, the complement: GUSB is on the minus strand). VCF-style: chr7-65964419-G-C. GRCh37 (hg19) VCF-style: chr7-65429406-G-C.
Other names: c.1255C>G, p.Leu419Val (NM_001284290.2); c.1123C>G, p.Leu375Val (NM_001293104.2); c.1036C>G, p.Leu346Val (NM_001293105.2); short protein forms L346V, L375V, L419V, L565V.
Identifiers: ClinVar variation 4535893 (VCV004535893.1).

ClinVar aggregate classification (germline): Uncertain significance (1 of 4 stars; one submission).

gnomAD v4.1: 1 of 1,610,838 alleles (0.000062%); highest among the groups gnomAD compares: Non-Finnish European, 0.000085%; no homozygotes.

Submission:

Women's Health and Genetics/Laboratory Corporation of America, LabCorp
Classification: Uncertain significance. Last evaluated: 2025-09-02. Review status: criteria provided, single submitter. Criteria: LabCorp Variant Classification Summary - May 2015. Collection method: clinical testing. Allele origin: germline.
Comment: Variant summary: GUSB c.1693C>G (p.Leu565Val) results in a conservative amino acid change in the encoded protein sequence. Algorithms developed to predict the effect of missense changes on protein structure and function all suggest that this variant is likely to be tolerated. The variant was absent in 251398 control chromosomes. The available data on variant occurrences in the general population are insufficient to allow any conclusion about variant significance. c.1693C>G has been observed in an individual affected with Mucopolysaccharidosis Type VII (Sly Syndrome) (example: Montano_2016). These data do not allow any conclusion about variant significance. To our knowledge, no experimental evidence demonstrating an impact on protein function has been reported. The following publication has been ascertained in the context of this evaluation (PMID: 26908836). No submitters have cited clinical-significance assessments for this variant to ClinVar. Based on the evidence outlined above, the variant was classified as uncertain significance.

Literature cited by the submitters: PubMed 26908836.